The following is an entry in ClinVar:

NM_014795.4(ZEB2):c.563C>T (p.Thr188Met)

Genes: ZEB2 (zinc finger E-box binding homeobox 2; minus strand), LOC111721705 (skeletal muscle cis-regulatory module overlapping ZEB2; plus strand). Cytogenetic location: 2q22.3.
Variant type: single nucleotide variant.
Coding change: c.563C>T on transcript NM_014795.4 (MANE Select); coding-DNA position 563, C replaced by T.
Protein change: p.Thr188Met; replaces threonine 188 with methionine.
Molecular consequence: missense variant.
Genome position (GRCh38, 1-based): chr2:144,404,865, G>A on the plus strand (C>T on the coding strand, the complement: ZEB2 is on the minus strand). VCF-style: chr2-144404865-G-A. GRCh37 (hg19) VCF-style: chr2-145162432-G-A.
Other names: c.491C>T, p.Thr164Met (NM_001171653.2); short protein forms T188M, T164M.
Identifiers: ClinVar variation 437329 (VCV000437329.8), dbSNP rs780017365, ClinGen allele CA1898458.

ClinVar aggregate classification (germline): Conflicting classifications of pathogenicity. Review status: criteria provided, conflicting classifications (1 of 4 stars). 2 submissions from 2 submitters: Uncertain significance (1); Likely benign (1). Last evaluated 2024-05-08.

Conditions:
Mowat-Wilson syndrome (MOWS). Also called: Classic Mowat-Wilson Syndrome. Identifiers: Orphanet 2152, MedGen C1856113, MONDO:0009341, OMIM 235730.

Allele frequency attached by ClinVar (database versions not stated): gnomAD exomes below 0.00001 and 0.00001; ExAC 0.00001; gnomAD 0.00001.
gnomAD v4.1: 9 of 1,614,032 alleles (0.00056%); highest among the groups gnomAD compares: South Asian, 0.0033%; no homozygotes.

Submissions (2):

Labcorp Genetics (formerly Invitae), Labcorp
Classification: Uncertain significance for Mowat-Wilson syndrome. Last evaluated: 2024-05-08. Review status: criteria provided, single submitter. Criteria: Invitae Variant Classification Sherloc (09022015). Collection method: clinical testing. Allele origin: germline.
Comment: This sequence change replaces threonine, which is neutral and polar, with methionine, which is neutral and non-polar, at codon 188 of the ZEB2 protein (p.Thr188Met). This variant is present in population databases (rs780017365, gnomAD 0.003%). This variant has not been reported in the literature in individuals affected with ZEB2-related conditions. ClinVar contains an entry for this variant (Variation ID: 437329). Advanced modeling of protein sequence and biophysical properties (such as structural, functional, and spatial information, amino acid conservation, physicochemical variation, residue mobility, and thermodynamic stability) has been performed at Invitae for this missense variant, however the output from this modeling did not meet the statistical confidence thresholds required to predict the impact of this variant on ZEB2 protein function. In summary, the available evidence is currently insufficient to determine the role of this variant in disease. Therefore, it has been classified as a Variant of Uncertain Significance.

Genetic Services Laboratory, University of Chicago
Classification: Likely benign. Last evaluated: 2017-04-03. Review status: criteria provided, single submitter. Criteria: ACMG Guidelines, 2015. Collection method: clinical testing. Allele origin: germline. Affected: no.